The following is an entry in ClinVar:

NM_015205.3(ATP11A):c.137del (p.Pro46fs)

Gene: ATP11A (ATPase phospholipid transporting 11A; plus strand). Cytogenetic location: 13q34.
Variant type: Deletion.
Coding change: c.137del on transcript NM_015205.3 (MANE Select); coding-DNA position 137, one base deleted (C; older notation c.137delC).
Protein change: p.Pro46fs; shifts the reading frame from proline 46.
Molecular consequence: frameshift variant.
Genome position (GRCh38, 1-based): chr13:112,785,232, C deleted; the last of 3 consecutive C bases (chr13:112,785,230-112,785,232); deleting any one gives the same sequence. VCF-style (leftmost placement, unchanged base first): chr13-112785229-AC-A. GRCh37 (hg19) VCF-style: chr13-113439543-AC-A.
Other names: c.137del, p.Pro46fs (NM_001405661.1, NM_001405662.1, NM_001405663.1 and 1 more transcripts); short protein forms P46fs.
Identifiers: ClinVar variation 4876756 (VCV004876756.1).

ClinVar aggregate classification (germline): Uncertain significance (1 of 4 stars; one submission).

Conditions:
Hearing loss, autosomal dominant 84. Also called: DEAFNESS, AUTOSOMAL DOMINANT 84. Identifiers: MedGen C5676952, MONDO:0030724, OMIM 619810.

Submission:

Human Genetics Bochum, Ruhr University Bochum
Classification: Uncertain significance for Hearing loss, autosomal dominant 84. Last evaluated: 2026-05-28. Review status: criteria provided, single submitter. Criteria: ACMG Guidelines, 2015. Collection method: clinical testing. Allele origin: germline. Affected: yes.
Comment: ACMG criteria used to clasify this variant: PM2_SUP